The following is an entry in ClinVar:

ClinVar aggregate classification (germline): Pathogenic. Review status: criteria provided, single submitter (1 of 4 stars). 3 submissions from 1 submitter: Pathogenic (1). 2 of the submissions do not count toward it. Last evaluated 2022-04-08.

Conditions:
Dystonic disorder. Also called: Dystonia. Identifiers: MedGen C0013421, MONDO:0003441, HP:0001332.
Methylmalonic acidemia due to methylmalonyl-CoA epimerase deficiency. Also called: METHYLMALONIC ACIDURIA III; METHYLMALONYL-CoA RACEMASE DEFICIENCY; Methylmalonyl-CoA Epimerase Deficiency. Identifiers: Orphanet 308425, MedGen C1855100, MONDO:0009615, OMIM 251120.

Submissions (3):

Labcorp Genetics (formerly Invitae), Labcorp
Classification: Pathogenic for Methylmalonic acidemia due to methylmalonyl-CoA epimerase deficiency. Last evaluated: 2022-04-08. Review status: criteria provided, single submitter. Criteria: Invitae Variant Classification Sherloc (09022015). Collection method: clinical testing. Allele origin: germline.
Comment: A gross deletion of the genomic region encompassing the full coding sequence of the MCEE gene has been identified. Loss-of-function variants in MCEE are known to be pathogenic (PMID: 16697227, 16752391, 30682498). The boundaries of this event are unknown as they extend beyond the assayed region for this gene and therefore may encompass additional genes. This variant has not been reported in the literature in individuals affected with MCEE-related conditions. For these reasons, this variant has been classified as Pathogenic.

Labcorp Genetics (formerly Invitae), Labcorp
Classification: Pathogenic for Dystonic disorder. Last evaluated: 2022-04-08. Review status: flagged submission. Criteria: Invitae Variant Classification Sherloc (09022015). Collection method: clinical testing. Allele origin: germline. Not counted in ClinVar's aggregate classification.
Comment: A gross deletion of the genomic region encompassing the full coding sequence of the SPR gene has been identified. Loss-of-function variants in SPR are known to be pathogenic (PMID: 22522443). The boundaries of this event are unknown as they extend beyond the assayed region for this gene and therefore may encompass additional genes. This variant has not been reported in the literature in individuals affected with SPR-related conditions. For these reasons, this variant has been classified as Pathogenic.
ClinVar note: Reason: This record appears to be redundant with a more recent record from the same submitter.
ClinVar note: Notes: SCV003791293 appears to be redundant with SCV003795744.

Labcorp Genetics (formerly Invitae), Labcorp
Classification: Pathogenic. Last evaluated: 2022-04-08. Review status: flagged submission. Criteria: Invitae Variant Classification Sherloc (09022015). Collection method: clinical testing. Allele origin: germline. Not counted in ClinVar's aggregate classification.
Comment: A gross deletion of the genomic region encompassing the full coding sequence of the STAMBP gene has been identified. Loss-of-function variants in STAMBP are known to be pathogenic (PMID: 23542699). The boundaries of this event are unknown as they extend beyond the assayed region for this gene and therefore may encompass additional genes. This variant has not been reported in the literature in individuals affected with STAMBP-related conditions. For these reasons, this variant has been classified as Pathogenic.
ClinVar note: Reason: This record appears to be redundant with a more recent record from the same submitter.
ClinVar note: Notes: SCV003791500 appears to be redundant with SCV003795744.

Literature cited by the submitters: PubMed 16697227; PubMed 16752391; PubMed 30682498; PubMed 22522443; PubMed 23542699.

NC_000002.11:g.(?_71004499)_(74779761_?)del

Genes: C2orf78 (chromosome 2 open reading frame 78; plus strand), AUP1 (AUP1 lipid droplet regulating VLDL assembly factor; minus strand), NAT8B (N-acetyltransferase 8B (putative, gene/pseudogene); minus strand), EMX1 (empty spiracles homeobox 1; plus strand), MOB1A (MOB kinase activator 1A; minus strand) and 52 more. Cytogenetic location: 2p13.3-13.1.
Variant type: Deletion.
Identifiers: ClinVar variation 2424629 (VCV002424629.5).